The following is an entry in ClinVar:

NM_024589.3(ROGDI):c.522C>T (p.Ser174=)

Gene: ROGDI (rogdi atypical leucine zipper; minus strand). Cytogenetic location: 16p13.3.
Variant type: single nucleotide variant.
Coding change: c.522C>T on transcript NM_024589.3 (MANE Select); coding-DNA position 522, C replaced by T.
Protein change: p.Ser174=; no amino-acid change (serine 174 retained).
Molecular consequence: synonymous variant. On other transcripts: non-coding transcript variant (1).
Genome position (GRCh38, 1-based): chr16:4,798,578, G>A on the plus strand (C>T on the coding strand, the complement: ROGDI is on the minus strand). VCF-style: chr16-4798578-G-A. GRCh37 (hg19) VCF-style: chr16-4848579-G-A.
Identifiers: ClinVar variation 319404 (VCV000319404.53), dbSNP rs150687774, ClinGen allele CA7882682.

ClinVar aggregate classification (germline): Benign/Likely benign. Review status: criteria provided, multiple submitters, no conflicts (2 of 4 stars). 7 submissions from 7 submitters: Benign (1); Likely benign (5). 1 of the submissions does not count toward it. Last evaluated 2026-09-01.

Conditions:
ROGDI-related disorder. Also called: ROGDI-related condition.
Amelocerebrohypohidrotic syndrome (KTZS). Also called: Kohlschutter's syndrome; KOHLSCHUTTER SYNDROME; EPILEPSY AND YELLOW TEETH; EPILEPSY, DEMENTIA, AND AMELOGENESIS IMPERFECTA. Identifiers: Orphanet 1946, MedGen C0406740, MONDO:0009185, OMIM 226750.

Allele frequency attached by ClinVar (database versions not stated): 1000 Genomes Project 30x 0.00016; 1000 Genomes Project 0.00020; TOPMed 0.00154; ESP Exome Variant Server 0.00163; gnomAD 0.00183 and 0.00190; gnomAD exomes 0.00192 and 0.00294; ExAC 0.00410.

Submissions (7):

CeGaT Center for Human Genetics Tuebingen
Classification: Likely benign. Last evaluated: 2026-09-01. Review status: criteria provided, single submitter. Criteria: CeGaT Center For Human Genetics Tuebingen Variant Classification Criteria Version 2. Collection method: clinical testing. Allele origin: germline. Affected: yes. Observed: 15 variant alleles.
Comment: ROGDI: BP4, BP7

Labcorp Genetics (formerly Invitae), Labcorp
Classification: Benign for Amelocerebrohypohidrotic syndrome. Last evaluated: 2026-02-03. Review status: criteria provided, single submitter. Criteria: Invitae Variant Classification Sherloc (09022015). Collection method: clinical testing. Allele origin: germline.

Blueprint Genetics
Classification: Likely benign. Last evaluated: 2024-11-26. Review status: criteria provided, single submitter. Criteria: ACMG Guidelines, 2015. Collection method: clinical testing. Allele origin: germline.

Mendelics
Classification: Likely benign for Amelocerebrohypohidrotic syndrome. Last evaluated: 2019-05-28. Review status: criteria provided, single submitter. Criteria: Mendelics Assertion Criteria 2017. Collection method: clinical testing. Allele origin: unknown.

Illumina Laboratory Services, Illumina
Classification: Likely benign for Kohlschutter syndrome. Last evaluated: 2018-01-13. Review status: criteria provided, single submitter. Criteria: ICSL Variant Classification Criteria 13 December 2019. Collection method: clinical testing. Allele origin: germline.
Comment: This variant was observed in the ICSL laboratory as part of a predisposition screen in an ostensibly healthy population. It had not been previously curated by ICSL or reported in the Human Gene Mutation Database (HGMD: prior to June 1st, 2018), and was therefore a candidate for classification through an automated scoring system. Utilizing variant allele frequency, disease prevalence and penetrance estimates, and inheritance mode, an automated score was calculated to assess if this variant is too frequent to cause the disease. Based on the score and internal cut-off values, a variant classified as likely benign is not then subjected to further curation. The score for this variant resulted in a classification of likely benign for this disease.

Athena Diagnostics
Classification: Likely benign. Last evaluated: 2017-10-03. Review status: criteria provided, single submitter. Criteria: Athena Diagnostics Criteria. Collection method: clinical testing. Allele origin: germline.

PreventionGenetics, part of Exact Sciences
Classification: Likely benign for ROGDI-related condition. Last evaluated: 2024-01-10. Review status: no assertion criteria provided. Collection method: clinical testing. Allele origin: germline. Not counted in ClinVar's aggregate classification.
Comment: This variant is classified as likely benign based on ACMG/AMP sequence variant interpretation guidelines (Richards et al. 2015 PMID: 25741868, with internal and published modifications).